The following is an entry in ClinVar:

ClinVar aggregate classification (germline): Likely benign (0 of 4 stars; one submission).

Conditions:
TMEM107-related disorder. Also called: TMEM107-related condition.

Allele frequency attached by ClinVar (database versions not stated): ExAC 0.00041; ESP Exome Variant Server 0.00105; gnomAD 0.00139; 1000 Genomes Project 0.00280.
gnomAD v4.1: 325 of 754,892 alleles (0.043%); highest among the groups gnomAD compares: African/African-American, 0.45%; no homozygotes.

Submission:

PreventionGenetics, part of Exact Sciences
Classification: Likely benign for TMEM107-related condition. Last evaluated: 2023-02-26. Review status: no assertion criteria provided. Collection method: clinical testing. Allele origin: germline.
Comment: This variant is classified as likely benign based on ACMG/AMP sequence variant interpretation guidelines (Richards et al. 2015 PMID: 25741868, with internal and published modifications).

NM_183065.4(TMEM107):c.*777T>G

Gene: TMEM107 (transmembrane protein 107; minus strand). Cytogenetic location: 17p13.1.
Variant type: single nucleotide variant.
Coding change: c.*777T>G on transcript NM_183065.4 (MANE Select); 777 bases downstream of the stop codon, T replaced by G.
Molecular consequence: 3 prime UTR variant. On other transcripts: non-coding transcript variant (1).
Genome position (GRCh38, 1-based): chr17:8,173,426, A>C on the plus strand (T>G on the coding strand, the complement: TMEM107 is on the minus strand). VCF-style: chr17-8173426-A-C. GRCh37 (hg19) VCF-style: chr17-8076744-A-C.
Other names: c.*777T>G (NM_001351278.2, NM_001351279.2, NM_001351280.2 and 1 more transcripts).
Identifiers: ClinVar variation 3030843 (VCV003030843.2), dbSNP rs372572848, ClinGen allele CA8370500.
Genomic context (GRCh38, chr17:8,173,426, plus strand): 5'-GCAAGGTTATCCCAGTCAGAACTTCATAGCTATGTTTGTGGATATCTGCTAATCAGCATA[A>C]CACAAATGTAAGTGATCGTCAGAAAGAATCAGACAGGAGCAATCAGGGTGTTGCAAGTCC-3'